The following is an entry in ClinVar:

ClinVar aggregate classification (germline): Pathogenic. Review status: criteria provided, multiple submitters, no conflicts (2 of 4 stars). 3 submissions from 3 submitters: Pathogenic (3). Last evaluated 2025-04-09.

Conditions:
Jeune thoracic dystrophy. Also called: Short-rib thoracic dysplasia; Infantile thoracic dystrophy; Thoracic pelvic phalangeal dystrophy; Jeune's syndrome; Chondroectodermal dysplasia-like syndrome; Jeune syndrome. Identifiers: Orphanet 474, MedGen C0265275, MONDO:0018770.
Asphyxiating thoracic dystrophy 3. Also called: POLYDACTYLY WITH NEONATAL CHONDRODYSTROPHY, TYPE I; SHORT-RIB THORACIC DYSPLASIA 3/6 WITH POLYDACTYLY, DIGENIC; Short rib polydactyly syndrome 2B; Saldino-Noonan Syndrome; SHORT-RIB THORACIC DYSPLASIA 3 WITH OR WITHOUT POLYDACTYLY. Identifiers: Orphanet 474, Orphanet 93269, Orphanet 93270, Orphanet 93271, MedGen C0036069, MONDO:0013127, OMIM 613091.

Submissions (3):

Women's Health and Genetics/Laboratory Corporation of America, LabCorp
Classification: Pathogenic for Asphyxiating thoracic dystrophy 3. Last evaluated: 2025-04-09. Review status: criteria provided, single submitter. Criteria: LabCorp Variant Classification Summary - May 2015. Collection method: clinical testing. Allele origin: germline.
Comment: Variant summary: DYNC2H1 c.5682_5683delAA (p.His1896Tyrfs*9) results in a premature termination codon, predicted to cause a truncation of the encoded protein or absence of the protein due to nonsense mediated decay, which are commonly known mechanisms for disease. The variant allele was found at a frequency of 1e-05 in 97702 control chromosomes. c.5682_5683delAA has been reported in the literature in individual(s) affected with Short-rib thoracic dysplasia (e.g.,Hammarsjo_2021). The following publication has been ascertained in the context of this evaluation (PMID: 33875766). ClinVar contains an entry for this variant (Variation ID: 558742). Based on the evidence outlined above, the variant was classified as pathogenic.

Rare Disease Group, Clinical Genetics, Karolinska Institutet
Classification: Pathogenic for Jeune thoracic dystrophy. Last evaluated: 2024-07-16. Review status: criteria provided, single submitter. Criteria: ACMG Guidelines, 2015. Collection method: research. Allele origin: maternal. Inheritance: Autosomal recessive inheritance. Affected: yes. Clinical features observed: Thoracic hypoplasia (HP:0005257), Short ribs (HP:0000773), Aplasia/Hypoplasia involving the pelvis (HP:0009103), Short long bone (HP:0003026), Brachydactyly (HP:0001156), Femoral bowing (HP:0002980).
Comment: This variant has been found in two unrelated individuals with short-rib thoracic dysplasia. Both compound heterozygous with another variant (i.e. c.5771 A > T (PMID: 33875766) and c.3404A>T, respectively). It is expected to result in an absent or disrupted protein product. Loss-of-function variants in DYNC2H1 are known to be pathogenic (PMID: 23339108, 32753734, 33755199). It has been observed in ClinVar (Variation ID: 558742) and observed in individuals with short-rib polydactyly syndrome (PMID: 25410398).

Labcorp Genetics (formerly Invitae), Labcorp
Classification: Pathogenic for Jeune thoracic dystrophy. Last evaluated: 2024-01-07. Review status: criteria provided, single submitter. Criteria: Invitae Variant Classification Sherloc (09022015). Collection method: clinical testing. Allele origin: germline.
Comment: This sequence change creates a premature translational stop signal (p.His1896Tyrfs*9) in the DYNC2H1 gene. It is expected to result in an absent or disrupted protein product. Loss-of-function variants in DYNC2H1 are known to be pathogenic (PMID: 23339108, 32753734, 33755199). This variant is not present in population databases (gnomAD no frequency). This premature translational stop signal has been observed in individual(s) with short-rib polydactyly syndrome (PMID: 25410398). This variant is also known as c.5681_5682del (p.Glu1894fs). ClinVar contains an entry for this variant (Variation ID: 558742). For these reasons, this variant has been classified as Pathogenic.

Literature cited by the submitters: PubMed 33875766 (cited by Women's Health and Genetics/Laboratory Corporation of America, LabCorp); PubMed 23339108 (cited by Labcorp Genetics (formerly Invitae), Labcorp); PubMed 32753734 (cited by Labcorp Genetics (formerly Invitae), Labcorp); PubMed 33755199 (cited by Labcorp Genetics (formerly Invitae), Labcorp); PubMed 25410398 (cited by Labcorp Genetics (formerly Invitae), Labcorp).

NM_001377.3(DYNC2H1):c.5682_5683del (p.His1896fs)

Gene: DYNC2H1 (dynein cytoplasmic 2 heavy chain 1; plus strand). Cytogenetic location: 11q22.3.
Variant type: Deletion.
Coding change: c.5682_5683del on transcript NM_001377.3 (MANE Select); coding-DNA positions 5682 to 5683, 2 bases deleted (AA; older notation c.5682_5683delAA).
Protein change: p.His1896fs; shifts the reading frame from histidine 1896.
Molecular consequence: frameshift variant.
Genome position (GRCh38, 1-based): chr11:103,176,242-103,176,243, AA deleted; deleting any 2 consecutive bases within chr11:103,176,241-103,176,243 gives the same sequence; the c. name uses the placement nearest the transcript's 3' end. VCF-style (leftmost placement, unchanged base first): chr11-103176240-GAA-G. GRCh37 (hg19) VCF-style: chr11-103046969-GAA-G.
Other names: c.5682_5683delAA (NM_001080463.2); c.5682_5683del, p.His1896fs (NM_001080463.2); short protein forms H1896fs.
Identifiers: ClinVar variation 558742 (VCV000558742.9), dbSNP rs767846762, ClinGen allele CA6253816.
Genomic context (GRCh38, chr11:103,176,240, plus strand): 5'-CTTTTTTCATCATTAAAGTAATAATAAATAATTTTAAAATGAAACTTTTTTCTAGCTAAT[GAA>G]AGTCATATTGTGGTACAAGCACTGAGGCTTAATACCATGTCAAAGTTTACGTTTACTGAT-3'